The following is an entry in ClinVar:

NM_005918.4(MDH2):c.820G>A (p.Glu274Lys)

Gene: MDH2 (malate dehydrogenase 2; plus strand). Cytogenetic location: 7q11.23.
Variant type: single nucleotide variant.
Coding change: c.820G>A on transcript NM_005918.4 (MANE Select); coding-DNA position 820, G replaced by A.
Protein change: p.Glu274Lys; replaces glutamic acid 274 with lysine.
Molecular consequence: missense variant.
Genome position (GRCh38, 1-based): chr7:76,064,888, G>A. VCF-style: chr7-76064888-G-A. GRCh37 (hg19) VCF-style: chr7-75694206-G-A.
Other names: c.694G>A, p.Glu232Lys (NM_001282403.2); c.499G>A, p.Glu167Lys (NM_001282404.2); short protein forms E274K, E167K, E232K.
Identifiers: ClinVar variation 3394085 (VCV003394085.1).

ClinVar aggregate classification (germline): Uncertain significance (1 of 4 stars; one submission).

Conditions:
Inborn genetic diseases. Identifiers: MedGen C0950123, MeSH D030342.

Submission:

Ambry Genetics
Classification: Uncertain significance for Inborn genetic diseases. Last evaluated: 2024-11-15. Review status: criteria provided, single submitter. Criteria: Ambry Variant Classification Scheme 2023. Collection method: clinical testing. Allele origin: germline.
Comment: The p.E274K variant (also known as c.820G>A), located in coding exon 8 of the MDH2 gene, results from a G to A substitution at nucleotide position 820. The glutamic acid at codon 274 is replaced by lysine, an amino acid with similar properties. This amino acid position is conserved. In addition, this alteration is predicted to be deleterious by in silico analysis. Based on the available evidence, the clinical significance of this variant remains unclear.